The following is an entry in ClinVar:

ClinVar aggregate classification (germline): Likely benign (0 of 4 stars; one submission).

Conditions:
AGAP2-related disorder. Also called: AGAP2-related condition.

Allele frequency attached by ClinVar (database versions not stated): TOPMed 0.00001; gnomAD exomes 0.00002.

Submission:

PreventionGenetics, part of Exact Sciences
Classification: Likely benign for AGAP2-related condition. Last evaluated: 2019-07-12. Review status: no assertion criteria provided. Collection method: clinical testing. Allele origin: germline.
Comment: This variant is classified as likely benign based on ACMG/AMP sequence variant interpretation guidelines (Richards et al. 2015 PMID: 25741868, with internal and published modifications).

NM_001122772.3(AGAP2):c.1794G>A (p.Gln598=)

Gene: AGAP2 (ArfGAP with GTPase domain, ankyrin repeat and PH domain 2; minus strand). Cytogenetic location: 12q14.1.
Variant type: single nucleotide variant.
Coding change: c.1794G>A on transcript NM_001122772.3 (MANE Select); coding-DNA position 1794, G replaced by A.
Protein change: p.Gln598=; no amino-acid change (glutamine 598 retained).
Molecular consequence: synonymous variant.
Genome position (GRCh38, 1-based): chr12:57,732,403, C>T on the plus strand (G>A on the coding strand, the complement: AGAP2 is on the minus strand). VCF-style: chr12-57732403-C-T. GRCh37 (hg19) VCF-style: chr12-58126186-C-T.
Other names: c.786G>A, p.Gln262= (NM_014770.4).
Identifiers: ClinVar variation 3049551 (VCV003049551.2), dbSNP rs551915207, ClinGen allele CA480288262.
Genomic context (GRCh38, chr12:57,732,403, plus strand): 5'-GGATCCCCAGCCCCTCTGCATCTTACCGGCCCCTCTGCAGACTCTGAAACCCCAACTCAC[C>T]TGGCCAGCTACCGGAGTGGATGCAGCTGAGTGGCTTGGGGAGCTGGGCAGGGACTTGCAG-3'
Protein context (NP_001116244.1, residues 588-608): HSAASTPVAG[Gln598=]ASNGGHTSDY